The following is an entry in ClinVar:

NM_001127898.4(CLCN5):c.603+6_603+7del

Gene: CLCN5 (Cl-/H+ antiporter 5; plus strand). Cytogenetic location: Xp11.23.
Variant type: Deletion.
Coding change: c.603+6_603+7del on transcript NM_001127898.4 (MANE Select); bases 6 to 7 of the intron after coding-DNA position 603, 2 bases deleted (AT; older notation c.603+6_603+7delAT).
Molecular consequence: intron variant.
Genome position (GRCh38, 1-based): chrX:50,075,988-50,075,989, AT deleted. VCF-style (leftmost placement, unchanged base first): chrX-50075987-CAT-C. GRCh37 (hg19) VCF-style: chrX-49840642-CAT-C.
Other names: c.603+6_603+7del (NM_001127899.4); c.393+6_393+7del (NM_000084.5); c.453+6_453+7del (NM_001282163.2).
Identifiers: ClinVar variation 3719587 (VCV003719587.3).

ClinVar aggregate classification (germline): Conflicting classifications of pathogenicity. Review status: criteria provided, conflicting classifications (1 of 4 stars). 2 submissions from 2 submitters: Uncertain significance (1); Likely benign (1). Last evaluated 2025-11-03.

Submissions (2):

Labcorp Genetics (formerly Invitae), Labcorp
Classification: Uncertain significance. Last evaluated: 2025-11-03. Review status: criteria provided, single submitter. Criteria: Invitae Variant Classification Sherloc (09022015). Collection method: clinical testing. Allele origin: germline.
Comment: This sequence change falls in intron 4 of the CLCN5 gene. It does not directly change the encoded amino acid sequence of the CLCN5 protein. It affects a nucleotide within the consensus splice site. This variant is present in population databases (rs781921339, gnomAD 0.005%). This variant has not been reported in the literature in individuals affected with CLCN5-related conditions. ClinVar contains an entry for this variant (Variation ID: 3719587). Variants that disrupt the consensus splice site are a relatively common cause of aberrant splicing (PMID: 17576681, 9536098). Algorithms developed to predict the effect of sequence changes on RNA splicing suggest that this variant is not likely to affect RNA splicing. In summary, the available evidence is currently insufficient to determine the role of this variant in disease. Therefore, it has been classified as a Variant of Uncertain Significance.

Blueprint Genetics
Classification: Likely benign. Last evaluated: 2024-06-19. Review status: criteria provided, single submitter. Criteria: ACMG Guidelines, 2015. Collection method: clinical testing. Allele origin: germline.

Literature cited by the submitters: PubMed 17576681 (cited by Labcorp Genetics (formerly Invitae), Labcorp); PubMed 9536098 (cited by Labcorp Genetics (formerly Invitae), Labcorp).